The following is an entry in ClinVar:

NM_004369.4(COL6A3):c.2530G>A (p.Gly844Ser)

Gene: COL6A3 (collagen type VI alpha 3 chain; minus strand). Cytogenetic location: 2q37.3.
Variant type: single nucleotide variant.
Coding change: c.2530G>A on transcript NM_004369.4 (MANE Select); coding-DNA position 2530, G replaced by A.
Protein change: p.Gly844Ser; replaces glycine 844 with serine.
Molecular consequence: missense variant.
Genome position (GRCh38, 1-based): chr2:237,377,312, C>T on the plus strand (G>A on the coding strand, the complement: COL6A3 is on the minus strand). VCF-style: chr2-237377312-C-T. GRCh37 (hg19) VCF-style: chr2-238285955-C-T.
Other names: c.1309G>A, p.Gly437Ser (NM_057164.5); c.1912G>A, p.Gly638Ser (NM_057165.5, NM_057167.4); c.709G>A, p.Gly237Ser (NM_057166.5); short protein forms G437S, G638S, G844S, G237S.
Identifiers: ClinVar variation 4751045 (VCV004751045.1).

ClinVar aggregate classification (germline): Uncertain significance (1 of 4 stars; one submission).

Conditions:
Bethlem myopathy 1A. Also called: Bethlem myopathy 1; Bethlem Muscular Dystrophy; MYOPATHY, BENIGN CONGENITAL, WITH CONTRACTURES. Identifiers: Orphanet 610, MedGen CN029274, MONDO:0024530, OMIM 158810.

gnomAD v4.1: 4 of 1,601,076 alleles (0.00025%); highest among the groups gnomAD compares: Admixed American, 0.0017%; no homozygotes.

Submission:

Labcorp Genetics (formerly Invitae), Labcorp
Classification: Uncertain significance for Bethlem myopathy 1A. Last evaluated: 2025-11-03. Review status: criteria provided, single submitter. Criteria: Invitae Variant Classification Sherloc (09022015). Collection method: clinical testing. Allele origin: germline.
Comment: This sequence change replaces glycine, which is neutral and non-polar, with serine, which is neutral and polar, at codon 844 of the COL6A3 protein (p.Gly844Ser). The frequency data for this variant in the population databases is considered unreliable, as metrics indicate poor data quality at this position in the gnomAD database. This variant has not been reported in the literature in individuals affected with COL6A3-related conditions. Invitae Evidence Modeling of protein sequence and biophysical properties (such as structural, functional, and spatial information, amino acid conservation, physicochemical variation, residue mobility, and thermodynamic stability) has been performed for this missense variant. However, the output from this modeling did not meet the statistical confidence thresholds required to predict the impact of this variant on COL6A3 protein function. Algorithms developed to predict the effect of sequence changes on RNA splicing suggest that this variant may create or strengthen a splice site. In summary, the available evidence is currently insufficient to determine the role of this variant in disease. Therefore, it has been classified as a Variant of Uncertain Significance.